The following is an entry in ClinVar:

NM_004999.4(MYO6):c.3040dup (p.Leu1014fs)

Gene: MYO6 (myosin VI; plus strand). Cytogenetic location: 6q14.1.
Variant type: Duplication.
Coding change: c.3040dup on transcript NM_004999.4 (MANE Select); coding-DNA position 3040, one base duplicated (C; older notation c.3040dupC).
Protein change: p.Leu1014fs; shifts the reading frame from leucine 1014.
Molecular consequence: frameshift variant. On other transcripts: non-coding transcript variant (1).
Genome position (GRCh38, 1-based): chr6:75,892,623, C duplicated; the last of 3 consecutive C bases (chr6:75,892,621-75,892,623); duplicating any one gives the same sequence. VCF-style (leftmost placement, unchanged base first): chr6-75892620-G-GC. GRCh37 (hg19) VCF-style: chr6-76602337-G-GC.
Other names: c.3040dup, p.Leu1014fs (NM_001300899.2, NM_001368136.1, NM_001368137.1 and 2 more transcripts); c.3025dup, p.Leu1009fs (NM_001368138.1); short protein forms L1009fs, L1014fs.
Identifiers: ClinVar variation 2825213 (VCV002825213.3), dbSNP rs2535616846, ClinGen allele CA2739273249.

ClinVar aggregate classification (germline): Pathogenic (1 of 4 stars; one submission).

Submission:

Labcorp Genetics (formerly Invitae), Labcorp
Classification: Pathogenic. Last evaluated: 2024-04-16. Review status: criteria provided, single submitter. Criteria: Invitae Variant Classification Sherloc (09022015). Collection method: clinical testing. Allele origin: germline.
Comment: This sequence change creates a premature translational stop signal (p.Leu1014Profs*7) in the MYO6 gene. It is expected to result in an absent or disrupted protein product. Loss-of-function variants in MYO6 are known to be pathogenic (PMID: 12687499, 18348273, 23767834, 25999546, 30582396). This variant is not present in population databases (gnomAD no frequency). This variant has not been reported in the literature in individuals affected with MYO6-related conditions. For these reasons, this variant has been classified as Pathogenic.

Literature cited by the submitters: PubMed 12687499; PubMed 18348273; PubMed 23767834; PubMed 25999546; PubMed 30582396.